The following is an entry in ClinVar:

ClinVar aggregate classification (germline): Pathogenic (1 of 4 stars; one submission).

Submission:

GeneDx
Classification: Pathogenic. Last evaluated: 2024-12-04. Review status: criteria provided, single submitter. Criteria: GeneDx Variant Classification Process June 2021. Collection method: clinical testing. Allele origin: germline. Affected: yes.
Comment: Nonsense variant predicted to result in protein truncation or nonsense mediated decay in a gene for which loss of function is a known mechanism of disease; Not observed at significant frequency in large population cohorts (gnomAD); Has not been previously published as pathogenic or benign to our knowledge

NM_001348323.3(TRIP12):c.1213C>T (p.Gln405Ter)

Gene: TRIP12 (thyroid hormone receptor interactor 12; minus strand). Cytogenetic location: 2q36.3.
Variant type: single nucleotide variant.
Coding change: c.1213C>T on transcript NM_001348323.3 (MANE Select); coding-DNA position 1213, C replaced by T.
Protein change: p.Gln405Ter; replaces glutamine 405 with a stop codon.
Molecular consequence: nonsense.
Genome position (GRCh38, 1-based): chr2:229,836,905, G>A on the plus strand (C>T on the coding strand, the complement: TRIP12 is on the minus strand). VCF-style: chr2-229836905-G-A. GRCh37 (hg19) VCF-style: chr2-230701621-G-A.
Other names: c.1213C>T, p.Gln405Ter (NM_001284214.2, NM_001348315.2, NM_001348319.1 and 13 more transcripts); c.1087C>T, p.Gln363Ter (NM_001284215.2, NM_001348316.2, NM_001348317.1 and 3 more transcripts); c.178C>T, p.Gln60Ter (NM_001284216.2); c.1126C>T, p.Gln376Ter (NM_001348332.1, NM_001348334.1); short protein forms Q363*, Q376*, Q405*, Q60*.
Identifiers: ClinVar variation 3901729 (VCV003901729.1).
Genomic context (GRCh38, chr2:229,836,905, plus strand): 5'-TACCTGCAGCTCCTTGGGGAGCTTCATCTGTCCGAGCAGCTGAAGAATTTACTGCCTCCT[G>A]GTTGCTTTCAGGGTCTGCCATTTTCTCCTGTCGACGAGCTTCAGCTGCTCCTCTTTTGCC-3'